The following is an entry in ClinVar:

NC_000010.11:g.(?_27935000)_(28000048_?)del

Gene: ODAD2 (outer dynein arm docking complex subunit 2; minus strand). Cytogenetic location: 10p12.1.
Variant type: Deletion.
Identifiers: ClinVar variation 832042 (VCV000832042.8).

ClinVar aggregate classification (germline): Pathogenic (1 of 4 stars; one submission).

Conditions:
Primary ciliary dyskinesia 23 (CILD23). Also called: CILIARY DYSKINESIA, PRIMARY, 23, WITH OR WITHOUT SITUS INVERSUS. Identifiers: Orphanet 244, MedGen C3809548, MONDO:0014193, OMIM 615451.

Submission:

Labcorp Genetics (formerly Invitae), Labcorp
Classification: Pathogenic for Primary ciliary dyskinesia 23. Last evaluated: 2022-08-16. Review status: criteria provided, single submitter. Criteria: Invitae Variant Classification Sherloc (09022015). Collection method: clinical testing. Allele origin: germline.
Comment: For these reasons, this variant has been classified as Pathogenic. A similar copy number variant has been observed in individual(s) with clinical features of autosomal recessive primary ciliary dyskinesia (Invitae). This variant is a gross deletion of the genomic region encompassing exon(s) 1-16 of the ARMC4 gene, which includes the initiator codon. This deletion extends beyond the assayed region for this gene and therefore may encompass additional genes. It is expected to result in an absent or disrupted protein product. Loss-of-function variants in ARMC4 are known to be pathogenic (PMID: 23849778).

Literature cited by the submitters: PubMed 23849778.